The following is an entry in ClinVar:

NM_001206927.2(DNAH8):c.1706A>G (p.Glu569Gly)

Gene: DNAH8 (dynein axonemal heavy chain 8; plus strand). Cytogenetic location: 6p21.2.
Variant type: single nucleotide variant.
Coding change: c.1706A>G on transcript NM_001206927.2 (MANE Select); coding-DNA position 1706, A replaced by G.
Protein change: p.Glu569Gly; replaces glutamic acid 569 with glycine.
Molecular consequence: missense variant.
Genome position (GRCh38, 1-based): chr6:38,770,501, A>G. VCF-style: chr6-38770501-A-G. GRCh37 (hg19) VCF-style: chr6-38738277-A-G.
Other names: c.1055A>G, p.Glu352Gly (NM_001371.4); short protein forms E352G, E569G.
Identifiers: ClinVar variation 4725891 (VCV004725891.1).

ClinVar aggregate classification (germline): Uncertain significance (1 of 4 stars; one submission).

Conditions:
Primary ciliary dyskinesia. Also called: Ciliary dyskinesia. Identifiers: Orphanet 244, MedGen C0008780, MONDO:0016575, HP:0012265.

Submission:

Labcorp Genetics (formerly Invitae), Labcorp
Classification: Uncertain significance for Primary ciliary dyskinesia. Last evaluated: 2025-08-23. Review status: criteria provided, single submitter. Criteria: Invitae Variant Classification Sherloc (09022015). Collection method: clinical testing. Allele origin: germline.
Comment: This sequence change replaces glutamic acid, which is acidic and polar, with glycine, which is neutral and non-polar, at codon 569 of the DNAH8 protein (p.Glu569Gly). This variant is not present in population databases (gnomAD no frequency). This variant has not been reported in the literature in individuals affected with DNAH8-related conditions. Experimental studies and prediction algorithms are not available or were not evaluated, and the functional significance of this variant is currently unknown. In summary, the available evidence is currently insufficient to determine the role of this variant in disease. Therefore, it has been classified as a Variant of Uncertain Significance.